The following is an entry in ClinVar:

ClinVar aggregate classification (germline): Likely pathogenic (1 of 4 stars; one submission).

Conditions:
Aromatase deficiency. Also called: PSEUDOHERMAPHRODITISM, FEMALE, DUE TO PLACENTAL AROMATASE DEFICIENCY; Increased aromatase activity. Identifiers: Orphanet 91, MedGen C1960539, MONDO:0013301, OMIM 613546.

Submission:

Natera, Inc.
Classification: Likely pathogenic for Aromatase deficiency. Last evaluated: 2024-08-08. Review status: criteria provided, single submitter. Criteria: Natera Variant Classification Schema (03/2026). Collection method: clinical testing. Allele origin: germline.
Comment: The c.672G>A variant in CYP19A1 is a nonsense variant predicted to introduce a stop codon at amino acid 224. This variant is expected to result in nonsense mediated decay, truncation, or a dysfunctional protein product. This variant is rare in the general population with a frequency below the threshold expected for the associated phenotype(s). Given the available evidence, this variant is classified as Likely Pathogenic.

NM_000103.4(CYP19A1):c.672G>A (p.Trp224Ter)

Genes: PIRC66 (piwi-interacting RNA cluster 66; plus strand), CYP19A1 (cytochrome P450 family 19 subfamily A member 1; minus strand), MIR4713HG (MIR4713 host gene; plus strand). Cytogenetic location: 15q21.2.
Variant type: single nucleotide variant.
Coding change: c.672G>A on transcript NM_000103.4 (MANE Select); coding-DNA position 672, G replaced by A.
Protein change: p.Trp224Ter; replaces tryptophan 224 with a stop codon.
Molecular consequence: nonsense.
Genome position (GRCh38, 1-based): chr15:51,218,612, C>T on the plus strand (G>A on the coding strand, the complement: CYP19A1 is on the minus strand). VCF-style: chr15-51218612-C-T. GRCh37 (hg19) VCF-style: chr15-51510809-C-T.
Other names: c.672G>A, p.Trp224Ter (NM_001347248.1, NM_001347249.2, NM_001347250.2 and 7 more transcripts); short protein forms W224*.
Identifiers: ClinVar variation 4816275 (VCV004816275.1).